The following is an entry in ClinVar:

ClinVar aggregate classification (germline): Uncertain significance (1 of 4 stars; one submission).

Conditions:
ALG1-congenital disorder of glycosylation. Also called: ALG1-CDG; CDG Ik; CONGENITAL DISORDER OF GLYCOSYLATION, TYPE Ik. Identifiers: Orphanet 79327, MedGen C2931005, MONDO:0012052, OMIM 608540.

Allele frequency attached by ClinVar (database versions not stated): gnomAD exomes below 0.00001.

Submission:

Labcorp Genetics (formerly Invitae), Labcorp
Classification: Uncertain significance for ALG1-congenital disorder of glycosylation. Last evaluated: 2022-05-27. Review status: criteria provided, single submitter. Criteria: Invitae Variant Classification Sherloc (09022015). Collection method: clinical testing. Allele origin: germline.
Comment: This sequence change replaces leucine, which is neutral and non-polar, with histidine, which is basic and polar, at codon 147 of the ALG1 protein (p.Leu147His). This variant is not present in population databases (gnomAD no frequency). This variant has not been reported in the literature in individuals affected with ALG1-related conditions. Advanced modeling of protein sequence and biophysical properties (such as structural, functional, and spatial information, amino acid conservation, physicochemical variation, residue mobility, and thermodynamic stability) performed at Invitae indicates that this missense variant is expected to disrupt ALG1 protein function. In summary, the available evidence is currently insufficient to determine the role of this variant in disease. Therefore, it has been classified as a Variant of Uncertain Significance.

NM_019109.5(ALG1):c.440T>A (p.Leu147His)

Gene: ALG1 (ALG1 chitobiosyldiphosphodolichol beta-mannosyltransferase; plus strand). Cytogenetic location: 16p13.3.
Variant type: single nucleotide variant.
Coding change: c.440T>A on transcript NM_019109.5 (MANE Select); coding-DNA position 440, T replaced by A.
Protein change: p.Leu147His; replaces leucine 147 with histidine.
Molecular consequence: missense variant.
Genome position (GRCh38, 1-based): chr16:5,075,437, T>A. VCF-style: chr16-5075437-T-A. GRCh37 (hg19) VCF-style: chr16-5125438-T-A.
Other names: c.107T>A, p.Leu36His (NM_001330504.2); short protein forms L147H, L36H.
Identifiers: ClinVar variation 1999498 (VCV001999498.1), dbSNP rs2505853680, ClinGen allele CA394680371.